The following is an entry in ClinVar:

NM_000245.4(MET):c.4086C>A (p.Val1362=)

Gene: MET (MET proto-oncogene, receptor tyrosine kinase; plus strand). Cytogenetic location: 7q31.2.
Variant type: single nucleotide variant.
Coding change: c.4086C>A on transcript NM_000245.4 (MANE Select); coding-DNA position 4086, C replaced by A.
Protein change: p.Val1362=; no amino-acid change (valine 1362 retained).
Molecular consequence: synonymous variant.
Genome position (GRCh38, 1-based): chr7:116,796,037, C>A. VCF-style: chr7-116796037-C-A. GRCh37 (hg19) VCF-style: chr7-116436091-C-A.
Other names: c.4140C>A, p.Val1380= (NM_001127500.3); c.2796C>A, p.Val932= (NM_001324402.2).
Identifiers: ClinVar variation 1056174 (VCV001056174.12), dbSNP rs753757242, ClinGen allele CA457462628.

ClinVar aggregate classification (germline): Benign/Likely benign. Review status: criteria provided, multiple submitters, no conflicts (2 of 4 stars). 3 submissions from 3 submitters: Benign (1); Likely benign (2). Last evaluated 2025-07-30.

Conditions:
Hereditary cancer-predisposing syndrome. Also called: Hereditary Cancer Syndrome; Tumor predisposition; Hereditary neoplastic syndrome; Neoplastic Syndromes, Hereditary. Identifiers: Orphanet 140162, MedGen C0027672, MeSH D009386, MONDO:0015356.
Papillary renal cell carcinoma type 1 (RCCP1). Also called: RENAL CELL CARCINOMA, PAPILLARY, 1, SOMATIC; Renal adenocarcinoma; Renal cell carcinoma 1; Renal cell carcinoma, somatic. Identifiers: Orphanet 47044, MedGen C1336839, OMIM 605074, HP:0011797.
Renal cell carcinoma. Identifiers: Orphanet 217071, MedGen C0007134, MeSH D002292, MONDO:0005086, HP:0005584.

Submissions (3):

Labcorp Genetics (formerly Invitae), Labcorp
Classification: Likely benign for Renal cell carcinoma. Last evaluated: 2025-07-30. Review status: criteria provided, single submitter. Criteria: Invitae Variant Classification Sherloc (09022015). Collection method: clinical testing. Allele origin: germline.

Myriad Genetics, Inc.
Classification: Benign for Papillary renal cell carcinoma type 1. Last evaluated: 2024-11-15. Review status: criteria provided, single submitter. Criteria: Myriad Autosomal Dominant, Autosomal Recessive and X-Linked Classification Criteria (2023). Collection method: clinical testing. Allele origin: unknown.
Comment: This variant is considered benign. This variant is a silent/synonymous amino acid change and it is not expected to impact splicing.

Ambry Genetics
Classification: Likely benign for Hereditary cancer-predisposing syndrome. Last evaluated: 2020-09-03. Review status: criteria provided, single submitter. Criteria: Ambry Variant Classification Scheme 2023. Collection method: clinical testing. Allele origin: germline.